The following is an entry in ClinVar:

ClinVar aggregate classification (germline): Uncertain significance (1 of 4 stars; one submission).

gnomAD v4.1: 4 of 1,614,124 alleles (0.00025%); highest among the groups gnomAD compares: Non-Finnish European, 0.00034%; no homozygotes.

Submission:

Women's Health and Genetics/Laboratory Corporation of America, LabCorp
Classification: Uncertain significance. Last evaluated: 2024-09-12. Review status: criteria provided, single submitter. Criteria: LabCorp Variant Classification Summary - May 2015. Collection method: clinical testing. Allele origin: germline.
Comment: Variant summary: BCKDHB c.511T>C (p.Ser171Pro) results in a non-conservative amino acid change located in the Transketolase-like, pyrimidine-binding domain (IPR005475) of the encoded protein sequence. Five of five in-silico tools predict a damaging effect of the variant on protein function. The variant was absent in 251426 control chromosomes. The available data on variant occurrences in the general population are insufficient to allow any conclusion about variant significance. c.511T>C has been reported in the literature in a compound heterozygous individual affected with Maple Syrup Urine Disease (Fang_2021). These data do not allow any conclusion about variant significance. To our knowledge, no experimental evidence demonstrating an impact on protein function has been reported. The following publication have been ascertained in the context of this evaluation (PMID: 34556729). No submitters have cited clinical-significance assessments for this variant to ClinVar. Based on the evidence outlined above, the variant was classified as uncertain significance.

Literature cited by the submitters: PubMed 34556729.

NM_183050.4(BCKDHB):c.511T>C (p.Ser171Pro)

Gene: BCKDHB (branched chain keto acid dehydrogenase E1 subunit beta; plus strand). Cytogenetic location: 6q14.1.
Variant type: single nucleotide variant.
Coding change: c.511T>C on transcript NM_183050.4 (MANE Select); coding-DNA position 511, T replaced by C.
Protein change: p.Ser171Pro; replaces serine 171 with proline.
Molecular consequence: missense variant. On other transcripts: non-coding transcript variant (6).
Genome position (GRCh38, 1-based): chr6:80,168,908, T>C. VCF-style: chr6-80168908-T-C. GRCh37 (hg19) VCF-style: chr6-80878625-T-C.
Other names: c.511T>C, p.Ser171Pro (NM_000056.5, NM_001424035.1, NM_001424036.1 and 8 more transcripts); c.301T>C, p.Ser101Pro (NM_001318975.1, NM_001424043.1); short protein forms S101P, S171P.
Identifiers: ClinVar variation 3374859 (VCV003374859.1).
Genomic context (GRCh38, chr6:80,168,908, plus strand): 5'-TGCCCCGTCTTTCTTTCTGACCCTCAGATTGTTAATGAAGCTGCCAAGTATCGCTATCGC[T>C]CTGGGGATCTTTTTAACTGTGGAAGCCTCACTATCCGGTCCCCTTGGGGCTGTGTTGGTC-3'
Protein context (NP_898871.1, residues 161-181): VNEAAKYRYR[Ser171Pro]GDLFNCGSLT